The following is an entry in ClinVar:

ClinVar aggregate classification (germline): Pathogenic (1 of 4 stars; one submission).

Conditions:
Autosomal recessive nonsyndromic hearing loss 37. Identifiers: Orphanet 90636, MedGen C1843028, MONDO:0011912, OMIM 607821.

Submission:

Institute of Rare Diseases, West China Hospital, Sichuan University
Classification: Pathogenic for Autosomal recessive nonsyndromic hearing loss 37. Last evaluated: 2025-01-09. Review status: criteria provided, single submitter. Criteria: ClinGen HL ACMG Specifications v1. Collection method: research. Allele origin: germline. Affected: yes.
Comment: PVS1;PM3;PM2_Supporting

NM_004999.4(MYO6):c.2366_2367del (p.Thr789fs)

Gene: MYO6 (myosin VI; plus strand). Cytogenetic location: 6q14.1.
Variant type: Microsatellite.
Coding change: c.2366_2367del on transcript NM_004999.4 (MANE Select); coding-DNA positions 2366 to 2367, 2 bases deleted (CA; older notation c.2366_2367delCA).
Protein change: p.Thr789fs; shifts the reading frame from threonine 789.
Molecular consequence: frameshift variant. On other transcripts: non-coding transcript variant (1).
Genome position (GRCh38, 1-based): chr6:75,881,768-75,881,769, CA deleted; deleting any 2 consecutive bases within chr6:75,881,766-75,881,769 gives the same sequence; the c. name uses the placement nearest the transcript's 3' end. VCF-style (leftmost placement, unchanged base first): chr6-75881765-TCA-T. GRCh37 (hg19) VCF-style: chr6-76591482-TCA-T.
Other names: c.2366_2367del, p.Thr789fs (NM_001300899.2, NM_001368136.1, NM_001368137.1 and 2 more transcripts); c.2351_2352del, p.Thr784fs (NM_001368138.1); short protein forms T784fs, T789fs.
Identifiers: ClinVar variation 3601440 (VCV003601440.1).